The following is an entry in ClinVar:

NM_001080442.3(SLC38A8):c.56C>T (p.Thr19Met)

Gene: SLC38A8 (solute carrier family 38 member 8; minus strand). Cytogenetic location: 16q23.3.
Variant type: single nucleotide variant.
Coding change: c.56C>T on transcript NM_001080442.3 (MANE Select); coding-DNA position 56, C replaced by T.
Protein change: p.Thr19Met; replaces threonine 19 with methionine.
Molecular consequence: missense variant.
Genome position (GRCh38, 1-based): chr16:84,042,102, G>A on the plus strand (C>T on the coding strand, the complement: SLC38A8 is on the minus strand). VCF-style: chr16-84042102-G-A. GRCh37 (hg19) VCF-style: chr16-84075707-G-A.
Other names: short protein forms T19M.
Identifiers: ClinVar variation 3164603 (VCV003164603.2), dbSNP rs377369740, ClinGen allele CA8200546.
Genomic context (GRCh38, chr16:84,042,102, plus strand): 5'-CCCAGCGCGGACTTCATGAGGATGAAGACAGCGCCCATCGAGGACAGAGTGGCAGCAGCC[G>A]TGGCAGGGTGAGGCTTTTCTGGAAGGCCCCTGCTTCCTGGGGTCTGTCCCTCCATGGCTA-3'
Protein context (NP_001073911.1, residues 9-29): RGLPEKPHPA[Thr19Met]AAATLSSMGA

ClinVar aggregate classification (germline): Uncertain significance. Review status: criteria provided, multiple submitters, no conflicts (2 of 4 stars). 2 submissions from 2 submitters: Uncertain significance (2). Last evaluated 2025-12-24.

Conditions:
Inborn genetic diseases. Identifiers: MedGen C0950123, MeSH D030342.

Allele frequency attached by ClinVar (database versions not stated): ExAC 0.00004; gnomAD 0.00006; TOPMed 0.00007; ESP Exome Variant Server 0.00008; 1000 Genomes Project 0.00020; 1000 Genomes Project 30x 0.00031.

Submissions (2):

Labcorp Genetics (formerly Invitae), Labcorp
Classification: Uncertain significance. Last evaluated: 2025-12-24. Review status: criteria provided, single submitter. Criteria: Invitae Variant Classification Sherloc (09022015). Collection method: clinical testing. Allele origin: germline.
Comment: This sequence change replaces threonine, which is neutral and polar, with methionine, which is neutral and non-polar, at codon 19 of the SLC38A8 protein (p.Thr19Met). This variant is present in population databases (rs377369740, gnomAD 0.1%). This variant has not been reported in the literature in individuals affected with SLC38A8-related conditions. ClinVar contains an entry for this variant (Variation ID: 3164603). An algorithm developed to predict the effect of missense changes on protein structure and function (PolyPhen-2) suggests that this variant is likely to be tolerated. In summary, the available evidence is currently insufficient to determine the role of this variant in disease. Therefore, it has been classified as a Variant of Uncertain Significance.

Ambry Genetics
Classification: Uncertain significance for Inborn genetic diseases. Last evaluated: 2023-12-17. Review status: criteria provided, single submitter. Criteria: Ambry Variant Classification Scheme 2023. Collection method: clinical testing. Allele origin: germline.